The following is an entry in ClinVar:

NM_006922.4(SCN3A):c.3155A>G (p.Asn1052Ser)

Gene: SCN3A (sodium voltage-gated channel alpha subunit 3; minus strand). Cytogenetic location: 2q24.3.
Variant type: single nucleotide variant.
Coding change: c.3155A>G on transcript NM_006922.4 (MANE Select); coding-DNA position 3155, A replaced by G.
Protein change: p.Asn1052Ser; replaces asparagine 1052 with serine.
Molecular consequence: missense variant.
Genome position (GRCh38, 1-based): chr2:165,127,869, T>C on the plus strand (A>G on the coding strand, the complement: SCN3A is on the minus strand). VCF-style: chr2-165127869-T-C. GRCh37 (hg19) VCF-style: chr2-165984379-T-C.
Other names: c.3008A>G, p.Asn1003Ser (NM_001081676.2, NM_001081677.2); short protein forms N1003S, N1052S.
Identifiers: ClinVar variation 3695924 (VCV003695924.2).

ClinVar aggregate classification (germline): Uncertain significance (1 of 4 stars; one submission).

gnomAD v4.1: 1 of 1,614,180 alleles (0.000062%); highest among the groups gnomAD compares: Admixed American, 0.0017%; no homozygotes.

Submission:

Labcorp Genetics (formerly Invitae), Labcorp
Classification: Uncertain significance. Last evaluated: 2024-08-08. Review status: criteria provided, single submitter. Criteria: Invitae Variant Classification Sherloc (09022015). Collection method: clinical testing. Allele origin: germline.
Comment: This sequence change replaces asparagine, which is neutral and polar, with serine, which is neutral and polar, at codon 1052 of the SCN3A protein (p.Asn1052Ser). This variant is present in population databases (no rsID available, gnomAD 0.003%). This variant has not been reported in the literature in individuals affected with SCN3A-related conditions. Advanced modeling of protein sequence and biophysical properties (such as structural, functional, and spatial information, amino acid conservation, physicochemical variation, residue mobility, and thermodynamic stability) performed at Invitae indicates that this missense variant is not expected to disrupt SCN3A protein function with a negative predictive value of 95%. In summary, the available evidence is currently insufficient to determine the role of this variant in disease. Therefore, it has been classified as a Variant of Uncertain Significance.